The following is an entry in ClinVar:

NM_024675.4(PALB2):c.2561A>G (p.Asn854Ser)

Gene: PALB2 (partner and localizer of BRCA2; minus strand). Cytogenetic location: 16p12.2.
Variant type: single nucleotide variant.
Coding change: c.2561A>G on transcript NM_024675.4 (MANE Select); coding-DNA position 2561, A replaced by G.
Protein change: p.Asn854Ser; replaces asparagine 854 with serine.
Molecular consequence: missense variant.
Genome position (GRCh38, 1-based): chr16:23,629,229, T>C on the plus strand (A>G on the coding strand, the complement: PALB2 is on the minus strand). VCF-style: chr16-23629229-T-C. GRCh37 (hg19) VCF-style: chr16-23640550-T-C.
Other names: short protein forms N854S.
Identifiers: ClinVar variation 220808 (VCV000220808.63), dbSNP rs146455175, ClinGen allele CA348183.

ClinVar aggregate classification (germline): Conflicting classifications of pathogenicity. Review status: criteria provided, conflicting classifications (1 of 4 stars). 8 submissions from 8 submitters: Uncertain significance (7); Likely benign (1). Last evaluated 2025-11-10.

Conditions:
Hereditary cancer-predisposing syndrome. Also called: Neoplastic Syndromes, Hereditary; Hereditary Cancer Syndrome; Tumor predisposition; Hereditary neoplastic syndrome. Identifiers: Orphanet 140162, MedGen C0027672, MeSH D009386, MONDO:0015356.
Familial cancer of breast. Also called: Hereditary breast cancer; hereditary breast carcinoma; BREAST CANCER, FAMILIAL. Identifiers: Orphanet 227535, MedGen C0346153, MONDO:0016419, OMIM 114480. Disease mechanism: loss of function.

Allele frequency attached by ClinVar (database versions not stated): gnomAD exomes below 0.00001 and 0.00001; TOPMed 0.00001; ESP Exome Variant Server 0.00008.
gnomAD v4.1: 8 of 1,613,648 alleles (0.0005%); highest among the groups gnomAD compares: Middle Eastern, 0.016%; no homozygotes.

Submissions (8):

Labcorp Genetics (formerly Invitae), Labcorp
Classification: Uncertain significance for Familial cancer of breast. Last evaluated: 2025-11-10. Review status: criteria provided, single submitter. Criteria: Invitae Variant Classification Sherloc (09022015). Collection method: clinical testing. Allele origin: germline.
Comment: This sequence change replaces asparagine, which is neutral and polar, with serine, which is neutral and polar, at codon 854 of the PALB2 protein (p.Asn854Ser). This variant is present in population databases (rs146455175, gnomAD 0.0009%). This variant has not been reported in the literature in individuals affected with PALB2-related conditions. ClinVar contains an entry for this variant (Variation ID: 220808). Invitae Evidence Modeling of protein sequence and biophysical properties (such as structural, functional, and spatial information, amino acid conservation, physicochemical variation, residue mobility, and thermodynamic stability) indicates that this missense variant is not expected to disrupt PALB2 protein function with a negative predictive value of 80%. In summary, the available evidence is currently insufficient to determine the role of this variant in disease. Therefore, it has been classified as a Variant of Uncertain Significance.

Molecular Pathology, Peter Maccallum Cancer Centre
Classification: Uncertain significance for Familial cancer of breast. Last evaluated: 2024-04-15. Review status: criteria provided, single submitter. Criteria: ACMG Guidelines, 2015. Collection method: clinical testing. Allele origin: germline. Inheritance: Autosomal dominant inheritance.

MGZ Medical Genetics Center
Classification: Uncertain significance for Familial cancer of breast. Last evaluated: 2022-06-27. Review status: criteria provided, single submitter. Criteria: ACMG Guidelines, 2015. Collection method: clinical testing. Allele origin: germline. Affected: yes. Observed: 1 variant allele.
Comment: ACMG criteria applied: PM2_SUP, BP4

Color Diagnostics, LLC DBA Color Health
Classification: Uncertain significance for Hereditary cancer-predisposing syndrome. Last evaluated: 2022-01-07. Review status: criteria provided, single submitter. Criteria: ACMG Guidelines, 2015. Collection method: clinical testing. Allele origin: germline.
Comment: This missense variant replaces asparagine with serine at codon 854 of the PALB2 protein. Computational prediction suggests that this variant may not impact protein structure and function (internally defined REVEL score threshold <= 0.5, PMID: 27666373). To our knowledge, functional studies have not been reported for this variant. In two case-control studies, this variant has not shown a significant association with breast cancer (PMID: 28779002, 33471991 - Leiden Open Variation Database DB-ID PALB2_010875). This variant has been identified in 1/251258 chromosomes in the general population by the Genome Aggregation Database (gnomAD). The available evidence is insufficient to determine the role of this variant in disease conclusively. Therefore, this variant is classified as a Variant of Uncertain Significance.

CeGaT Center for Human Genetics Tuebingen
Classification: Uncertain significance. Last evaluated: 2020-06-01. Review status: criteria provided, single submitter. Criteria: CeGaT Center For Human Genetics Tuebingen Variant Classification Criteria Version 2. Collection method: clinical testing. Allele origin: germline. Affected: yes. Observed: 2 variant alleles.

Ambry Genetics
Classification: Likely benign for Hereditary cancer-predisposing syndrome. Last evaluated: 2018-11-29. Review status: criteria provided, single submitter. Criteria: Ambry Variant Classification Scheme 2023. Collection method: clinical testing. Allele origin: germline.

PreventionGenetics, part of Exact Sciences
Classification: Uncertain significance. Last evaluated: 2017-10-25. Review status: criteria provided, single submitter. Criteria: ACMG Guidelines, 2015. Collection method: clinical testing. Allele origin: germline.

GeneDx
Classification: Uncertain significance. Last evaluated: 2016-12-06. Review status: criteria provided, single submitter. Criteria: GeneDx Variant Classification (06012015). Collection method: clinical testing. Allele origin: germline. Affected: yes.
Comment: This variant is denoted PALB2 c.2561A>G at the cDNA level, p.Asn854Ser (N854S) at the protein level, and results in the change of an Asparagine to a Serine (AAC>AGC). This variant has not, to our knowledge, been published in the literature as pathogenic or benign. PALB2 Asn854Ser was not observed at a significant allele frequency in the NHLBI Exome Sequencing Project. Since Asparagine and Serine share similar properties, this is considered a conservative amino acid substitution. PALB2 Asn854Ser occurs at a position that is not conserved and is located within the WD1 domain and the region of interaction with RAD51, BRCA2, and POLH (UniProt). In silico analyses predict that this variant is unlikely to alter protein structure or function. Based on currently available evidence, it is unclear whether PALB2 Asn854Ser is a pathogenic or benign variant. We consider it to be a variant of uncertain significance.

Literature cited by the submitters: PubMed 28779002 (cited by Color Diagnostics, LLC DBA Color Health); PubMed 33471991 (cited by Color Diagnostics, LLC DBA Color Health).